The following is an entry in ClinVar:

NM_001319074.4(RAX2):c.*680G>A

Gene: RAX2 (retina and anterior neural fold homeobox 2; minus strand). Cytogenetic location: 19p13.3.
Variant type: single nucleotide variant.
Coding change: c.*680G>A on transcript NM_001319074.4 (MANE Select); 680 bases downstream of the stop codon, G replaced by A.
Molecular consequence: 3 prime UTR variant.
Genome position (GRCh38, 1-based): chr19:3,769,941, C>T on the plus strand (G>A on the coding strand, the complement: RAX2 is on the minus strand). VCF-style: chr19-3769941-C-T. GRCh37 (hg19) VCF-style: chr19-3769939-C-T.
Other names: NC_000019.9:g.3769939C>T; c.*680G>A (NM_032753.4).
Identifiers: ClinVar variation 328957 (VCV000328957.6), dbSNP rs28673245, ClinGen allele CA10652406.

ClinVar aggregate classification (germline): Benign. Review status: criteria provided, single submitter (1 of 4 stars). 2 submissions from 1 submitter: Benign (2). Last evaluated 2018-01-12.

Conditions:
Cone-rod dystrophy 11 (CORD11). Identifiers: Orphanet 1872, MedGen C1835865, MONDO:0012483, OMIM 610381.
Age related macular degeneration 6. Identifiers: MedGen C3151060, MONDO:0013406, OMIM 613757.

Allele frequency attached by ClinVar (database versions not stated): gnomAD exomes 0.01948; gnomAD 0.06228 and 0.06699; 1000 Genomes Project 0.06629; 1000 Genomes Project 30x 0.06761; TOPMed 0.06926.

Submissions (4):

Illumina Laboratory Services, Illumina
Classification: Benign for Cone-rod dystrophy 11. Last evaluated: 2018-01-12. Review status: criteria provided, single submitter. Criteria: ICSL Variant Classification Criteria 13 December 2019. Collection method: clinical testing. Allele origin: germline.
Comment: This variant was observed in the ICSL laboratory as part of a predisposition screen in an ostensibly healthy population. It had not been previously curated by ICSL or reported in the Human Gene Mutation Database (HGMD: prior to June 1st, 2018), and was therefore a candidate for classification through an automated scoring system. Utilizing variant allele frequency, disease prevalence and penetrance estimates, and inheritance mode, an automated score was calculated to assess if this variant is too frequent to cause the disease. Based on the score and internal cut-off values, a variant classified as benign is not then subjected to further curation. The score for this variant resulted in a classification of benign for this disease.

Illumina Laboratory Services, Illumina
Classification: Benign for Age related macular degeneration 6. Last evaluated: 2018-01-12. Review status: criteria provided, single submitter. Criteria: ICSL Variant Classification Criteria 13 December 2019. Collection method: clinical testing. Allele origin: germline.
Comment: the same text as in the submission from Illumina Laboratory Services, Illumina above.

Dr. Peter K. Rogan Lab, Western University
No classification provided (evidence only). Condition: Ovarian serous cystadenocarcinoma. Review status: no classification provided. Collection method: in vitro. Allele origin: not applicable. Functional consequence: retained intron. Not counted in ClinVar's aggregate classification.

Dr. Peter K. Rogan Lab, Western University
No classification provided (evidence only). Condition: Ovarian serous cystadenocarcinoma. Review status: no classification provided. Collection method: in vitro. Allele origin: not applicable. Functional consequence: retained intron. Not counted in ClinVar's aggregate classification.